The following is an entry in ClinVar:

NM_000179.3(MSH6):c.3198_3199insCT (p.Ser1067fs)

Gene: MSH6 (mutS homolog 6; plus strand). Cytogenetic location: 2p16.3.
Variant type: Insertion.
Coding change: c.3198_3199insCT on transcript NM_000179.3 (MANE Select); coding-DNA positions 3198 to 3199, CT inserted.
Protein change: p.Ser1067fs; shifts the reading frame from serine 1067.
Molecular consequence: frameshift variant. On other transcripts: 5 prime UTR variant (1), non-coding transcript variant (5), intron variant (1).
Genome position: GRCh38 VCF-style: chr2-47803444-A-ATC. GRCh37 (hg19) VCF-style: chr2-48030583-A-ATC.
Other names: c.2901_2902insCT, p.Ser968fs (NM_001406822.1, NM_001406824.1, NM_001406825.1 and 10 more transcripts); c.2292_2293insCT, p.Ser765fs (NM_001406823.1, NM_001406829.1, NM_001281493.2 and 6 more transcripts); c.3030_3031insCT, p.Ser1011fs (NM_001406826.1); c.-22_-21insCT (NM_001406831.1); c.2808_2809insCT, p.Ser937fs (NM_001281492.2); c.3294_3295insCT, p.Ser1099fs (NM_001406795.1, NM_001406802.1); c.3198_3199insCT, p.Ser1067fs (NM_001406796.1, NM_001406800.1, NM_001406808.1 and 1 more transcripts); c.2673_2674insCT, p.Ser892fs (NM_001406799.1, NM_001406806.1, NM_001406807.1); and 7 more; short protein forms S1011fs, S1041fs, S1069fs, S779fs, S968fs, S1067fs, S16fs, S545fs.
Identifiers: ClinVar variation 5024873 (VCV005024873.1).
Genomic context (GRCh38, chr2:47,803,444, plus strand): 5'-ACGATGAAGCCTCACTTTTACCCTCTCTTTTAACAGATGTTTTACTGTGCCTGGCTAACT[A>ATC]TAGTCGAGGGGGTGATGGTCCTATGTGTCGCCCAGTAATTCTGTTGCCGGAAGATACCCC-3'

ClinVar aggregate classification (germline): Pathogenic (1 of 4 stars; one submission).

Conditions:
Hereditary cancer-predisposing syndrome. Also called: Neoplastic Syndromes, Hereditary; Tumor predisposition; Hereditary neoplastic syndrome; Hereditary Cancer Syndrome. Identifiers: Orphanet 140162, MedGen C0027672, MeSH D009386, MONDO:0015356.

Submission:

Ambry Genetics
Classification: Pathogenic for Hereditary cancer-predisposing syndrome. Last evaluated: 2026-06-23. Review status: criteria provided, single submitter. Criteria: Ambry Variant Classification Scheme 2023. Collection method: clinical testing. Allele origin: germline.
Comment: The c.3198_3199insCT pathogenic mutation, located in coding exon 5 of the MSH6 gene, results from an insertion of two nucleotides at position 3198, causing a translational frameshift with a predicted alternate stop codon (p.S1067Lfs*13). This variant is considered to be rare based on population cohorts in the Genome Aggregation Database (gnomAD). This alteration is expected to result in loss of function by premature protein truncation or nonsense-mediated mRNA decay. As such, this alteration is interpreted as a disease-causing mutation.